The following is an entry in ClinVar:

ClinVar aggregate classification (germline): Uncertain significance (1 of 4 stars; one submission).

Allele frequency attached by ClinVar (database versions not stated): gnomAD exomes below 0.00001; TOPMed below 0.00001.
gnomAD v4.1: 1 of 1,612,784 alleles (0.000062%); highest among the groups gnomAD compares: African/African-American, 0.0013%; no homozygotes.

Submission:

CeGaT Center for Human Genetics Tuebingen
Classification: Uncertain significance. Last evaluated: 2023-03-01. Review status: criteria provided, single submitter. Criteria: CeGaT Center For Human Genetics Tuebingen Variant Classification Criteria Version 2. Collection method: clinical testing. Allele origin: germline. Affected: yes. Observed: 1 variant allele.
Comment: SETD5: PM2, PS2:Moderate

NM_001080517.3(SETD5):c.2509C>T (p.Arg837Cys)

Gene: SETD5 (SET domain containing 5; plus strand). Cytogenetic location: 3p25.3.
Variant type: single nucleotide variant.
Coding change: c.2509C>T on transcript NM_001080517.3 (MANE Select); coding-DNA position 2509, C replaced by T.
Protein change: p.Arg837Cys; replaces arginine 837 with cysteine.
Molecular consequence: missense variant.
Genome position (GRCh38, 1-based): chr3:9,464,457, C>T. VCF-style: chr3-9464457-C-T. GRCh37 (hg19) VCF-style: chr3-9506141-C-T.
Other names: c.2215C>T, p.Arg739Cys (NM_001292043.2, NM_001349451.2); short protein forms R739C, R837C.
Identifiers: ClinVar variation 2571172 (VCV002571172.27), dbSNP rs2044326903, ClinGen allele CA351707493.
Genomic context (GRCh38, chr3:9,464,457, plus strand): 5'-ACTCTCATCCAAGCTTTGTGTTTCACAGACTTGTTGAGCCCATTAAAGAAATGGAAGTCT[C>T]GCTATCTGATGGAGCAGAATGTCACCAAGTTACTTCGGCCTCTGTCTCCAGTCACACCAC-3'
Protein context (NP_001073986.1, residues 827-847): LLSPLKKWKS[Arg837Cys]YLMEQNVTKL